The following is an entry in ClinVar:

NM_004183.4(BEST1):c.725_726del (p.Val242fs)

Gene: BEST1 (bestrophin 1; plus strand). Cytogenetic location: 11q12.3.
Variant type: Microsatellite.
Coding change: c.725_726del on transcript NM_004183.4 (MANE Select); coding-DNA positions 725 to 726, 2 bases deleted (TG; older notation c.725_726delTG).
Protein change: p.Val242fs; shifts the reading frame from valine 242.
Molecular consequence: frameshift variant. On other transcripts: non-coding transcript variant (1).
Genome position (GRCh38, 1-based): chr11:61,958,156-61,958,157, TG deleted; deleting any 2 consecutive bases within chr11:61,958,154-61,958,157 gives the same sequence; the c. name uses the placement nearest the transcript's 3' end. VCF-style (leftmost placement, unchanged base first): chr11-61958153-CTG-C. GRCh37 (hg19) VCF-style: chr11-61725625-CTG-C.
Other names: c.543_544TG[1], p.Val182Glyfs (NM_001139443.3); c.545_546del, p.Val182fs (NM_001300786.2, NM_001300787.2); c.405_406TG[1], p.Val136Glyfs (NM_001363591.3); c.723_724TG[1], p.Val242Glyfs (NM_001363592.2); c.-453_-452TG[1] (NM_001363593.3); short protein forms V136fs, V182fs, V242fs.
Identifiers: ClinVar variation 1075048 (VCV001075048.7), dbSNP rs1941602345, ClinGen allele CA912972750.
Genomic context (GRCh38, chr11:61,958,153, plus strand): 5'-ATTTCAGGGTTCCCACCTAGCCCTTTGCTACCACATCCTCCTCCTCCTCCCAGGTGGTGA[CTG>C]TGGCGGTGTACAGCTTCTTCCTGACTTGTCTAGTTGGGCGGCAGTTTCTGAACCCAGCCA-3'

ClinVar aggregate classification (germline): Pathogenic (1 of 4 stars; one submission).

Submission:

Labcorp Genetics (formerly Invitae), Labcorp
Classification: Pathogenic. Last evaluated: 2025-01-03. Review status: criteria provided, single submitter. Criteria: Invitae Variant Classification Sherloc (09022015). Collection method: clinical testing. Allele origin: germline.
Comment: This sequence change creates a premature translational stop signal (p.Val242Glyfs*26) in the BEST1 gene. It is expected to result in an absent or disrupted protein product. Loss-of-function variants in BEST1 are known to be pathogenic (PMID: 21825197). This variant is not present in population databases (gnomAD no frequency). This variant has not been reported in the literature in individuals affected with BEST1-related conditions. Algorithms developed to predict the effect of sequence changes on RNA splicing suggest that this variant may disrupt the consensus splice site. For these reasons, this variant has been classified as Pathogenic.

Literature cited by the submitters: PubMed 21825197.